The following is an entry in ClinVar:

ClinVar aggregate classification (germline): Uncertain significance (0 of 4 stars; one submission).

Conditions:
SHOC2-related disorder. Also called: SHOC2-related condition.

Submission:

PreventionGenetics, part of Exact Sciences
Classification: Uncertain significance for SHOC2-related condition. Last evaluated: 2024-08-03. Review status: no assertion criteria provided. Collection method: clinical testing. Allele origin: germline.
Comment: The SHOC2 c.1291A>T variant is predicted to result in the amino acid substitution p.Ile431Phe. To our knowledge, this variant has not been reported in the literature. This variant is reported in 0.00089% of alleles in individuals of European (Non-Finnish) descent in gnomAD. At this time, the clinical significance of this variant is uncertain due to the absence of conclusive functional and genetic evidence.

NM_007373.4(SHOC2):c.1291A>T (p.Ile431Phe)

Gene: SHOC2 (SHOC2 leucine rich repeat scaffold protein; plus strand). Cytogenetic location: 10q25.2.
Variant type: single nucleotide variant.
Coding change: c.1291A>T on transcript NM_007373.4 (MANE Select); coding-DNA position 1291, A replaced by T.
Protein change: p.Ile431Phe; replaces isoleucine 431 with phenylalanine.
Molecular consequence: missense variant. On other transcripts: non-coding transcript variant (1).
Genome position (GRCh38, 1-based): chr10:111,009,254, A>T. VCF-style: chr10-111009254-A-T. GRCh37 (hg19) VCF-style: chr10-112769012-A-T.
Other names: c.1153A>T, p.Ile385Phe (NM_001269039.3); c.1291A>T, p.Ile431Phe (NM_001324336.2, NM_001324337.2); short protein forms I385F, I431F.
Identifiers: ClinVar variation 3345181 (VCV003345181.1).